The following is an entry in ClinVar:

NM_001271.4(CHD2):c.1955C>A (p.Ser652Tyr)

Gene: CHD2 (chromodomain helicase DNA binding protein 2; plus strand). Cytogenetic location: 15q26.1.
Variant type: single nucleotide variant.
Coding change: c.1955C>A on transcript NM_001271.4 (MANE Select); coding-DNA position 1955, C replaced by A.
Protein change: p.Ser652Tyr; replaces serine 652 with tyrosine.
Molecular consequence: missense variant.
Genome position (GRCh38, 1-based): chr15:92,956,604, C>A. VCF-style: chr15-92956604-C-A. GRCh37 (hg19) VCF-style: chr15-93499834-C-A.
Other names: short protein forms S652Y.
Identifiers: ClinVar variation 2757252 (VCV002757252.3), dbSNP rs1317935390, ClinGen allele CA393906559.

ClinVar aggregate classification (germline): Uncertain significance (1 of 4 stars; one submission).

Conditions:
Developmental and epileptic encephalopathy 94 (DEE94). Also called: CHD2-Related Neurodevelopmental Disorders; Epileptic encephalopathy, childhood-onset. Identifiers: Orphanet 1942, Orphanet 2382, MedGen C3809278, MONDO:0014150, OMIM 615369.

Submission:

Labcorp Genetics (formerly Invitae), Labcorp
Classification: Uncertain significance for Developmental and epileptic encephalopathy 94. Last evaluated: 2025-09-02. Review status: criteria provided, single submitter. Criteria: Invitae Variant Classification Sherloc (09022015). Collection method: clinical testing. Allele origin: germline.
Comment: This sequence change replaces serine, which is neutral and polar, with tyrosine, which is neutral and polar, at codon 652 of the CHD2 protein (p.Ser652Tyr). This variant is not present in population databases (gnomAD no frequency). This variant has not been reported in the literature in individuals affected with CHD2-related conditions. ClinVar contains an entry for this variant (Variation ID: 2757252). Invitae Evidence Modeling of protein sequence and biophysical properties (such as structural, functional, and spatial information, amino acid conservation, physicochemical variation, residue mobility, and thermodynamic stability) has been performed for this missense variant. However, the output from this modeling did not meet the statistical confidence thresholds required to predict the impact of this variant on CHD2 protein function. In summary, the available evidence is currently insufficient to determine the role of this variant in disease. Therefore, it has been classified as a Variant of Uncertain Significance.